The following is an entry in ClinVar:

ClinVar aggregate classification (germline): Likely pathogenic. Review status: reviewed by expert panel (3 of 4 stars). 4 submissions from 4 submitters: Likely pathogenic (1). 3 of the submissions do not count toward it. Last evaluated 2024-02-22.

Conditions:
Marfan syndrome (MFS). Also called: FBN1-Related Marfan Syndrome; Marfan syndrome, classic; MARFAN SYNDROME, TYPE I; Marfan syndrome type 1; Marfan's syndrome. Identifiers: Orphanet 284963, Orphanet 558, MedGen C0024796, MONDO:0007947, OMIM 154700.
Familial thoracic aortic aneurysm and aortic dissection (TAAD). Also called: Thoracic aortic aneurysms and dissections. Identifiers: Orphanet 91387, MedGen C4707243, MONDO:0019625.

Submissions (4):

ClinGen FBN1 Variant Curation Expert Panel, ClinGen
Classification: Likely pathogenic for Marfan syndrome. Last evaluated: 2024-02-22. Review status: reviewed by expert panel. Criteria: Assertion Criteria VCEP FBN1 Version 1. Collection method: curation. Allele origin: germline. Inheritance: Autosomal dominant inheritance.
Comment: The NM_00138 c.5747G>A, is a missense variant in FBN1predicted to cause a substitution of a cysteine by tyrosine at amino acid 1916 (p.Cys1916Tyr). This variant was found in a proband diagnosed with Marfan syndrome (PMID 24793577, PP4). This variant has been reported three times in ClinVar: once as pathogenic, once as likely pathogenic, and once as uncertain significance (Variation ID: 42391). This variant is not present in gnomAD(PM2_sup; v2.1.1). This variant affects a cysteine residue in a calcium binding EGF domain. Cysteine residues are believed to be involved in the formation of disulfide bridges which are essential for the protein structure (PM1_strong). Computational prediction tools and conservation analysis suggest that this variant may impact the protein (REVEL: 0.967, PP3). The constraint z-score for missense variants affecting FBN1 is 5.06 (PP2). In summary, this variant meets criteria to be classified as likely pathogenic for Marfan syndrome based on the ACMG/AMP criteria applied, as specified by the ClinGen FBN1 VCEP: PM1_Strong, PM2_Sup, PP2, PP3, PP4.

Labcorp Genetics (formerly Invitae), Labcorp
Classification: Pathogenic for Marfan syndrome; Familial thoracic aortic aneurysm and aortic dissection. Last evaluated: 2021-10-24. Review status: criteria provided, single submitter. Criteria: Invitae Variant Classification Sherloc (09022015). Collection method: clinical testing. Allele origin: germline. Not counted in ClinVar's aggregate classification.
Comment: For these reasons, this variant has been classified as Pathogenic. This variant disrupts the p.Cys1916 amino acid residue in FBN1. Other variant(s) that disrupt this residue have been observed in individuals with FBN1-related conditions (PMID: 19293843; Invitae), which suggests that this may be a clinically significant amino acid residue. This variant affects a cysteine residue in the EGF-like, TGFBP or hybrid motif domains of FBN1. Cysteine residues are believed to be involved in intramolecular disulfide bridges and have been shown to be important for FBN1 protein structure (PMID: 16905551, 19349279). In addition, missense substitutions affecting cysteine residues within these domains are significantly overrepresented among patients with Marfan syndrome (PMID: 16571647, 17701892). Advanced modeling of protein sequence and biophysical properties (such as structural, functional, and spatial information, amino acid conservation, physicochemical variation, residue mobility, and thermodynamic stability) performed at Invitae indicates that this missense variant is expected to disrupt FBN1 protein function. ClinVar contains an entry for this variant (Variation ID: 42391). This missense change has been observed in individual(s) with Marfan syndrome (PMID: 24793577). This variant is not present in population databases (gnomAD no frequency). This sequence change replaces cysteine, which is neutral and slightly polar, with tyrosine, which is neutral and polar, at codon 1916 of the FBN1 protein (p.Cys1916Tyr).

Women's Health and Genetics/Laboratory Corporation of America, LabCorp
Classification: Uncertain significance. Last evaluated: 2018-08-20. Review status: criteria provided, single submitter. Criteria: LabCorp Variant Classification Summary - May 2015. Collection method: clinical testing. Allele origin: germline. Not counted in ClinVar's aggregate classification.
Comment: Variant summary: FBN1 c.5747G>A (p.Cys1916Tyr) results in a non-conservative amino acid change located in the EGF-like domain of the encoded protein sequence. "The sulfhydryl group of cysteine is unique in its ability to participate in disulfide covalent cross-linkage. In fact, two thirds of fibrillin cysteine residues exist in the half-cystinyl form, suggesting their participation in intramolecular disulfide linkage. The cysteine residues in the EGF-like motif may also be necessary for intermolecular interactions with other fibrillin molecules or with other proteins (Dietz_1992)." Therefore, alteration of cysteine in this domain could disrupt disulfide binding, effecting secondary or tertiary structure or possibly impairing fibrillin interactions. Five of five in-silico tools predict a damaging effect of the variant on protein function. The variant was absent in 245812 control chromosomes. c.5747G>A has been reported in the literature in individuals affected with MFS (Lerner-Ellis_2014). These data do not allow any conclusion about variant significance. To our knowledge, no experimental evidence demonstrating an impact on protein function has been reported. No clinical diagnostic laboratories have submitted clinical-significance assessments for this variant to ClinVar after 2014. Based on the evidence outlined above, the variant was classified a VUS - possibly pathogenic.

Laboratory for Molecular Medicine, Mass General Brigham Personalized Medicine
Classification: Likely pathogenic for Marfan syndrome. Last evaluated: 2009-12-08. Review status: criteria provided, single submitter. Criteria: LMM Criteria. Collection method: clinical testing. Allele origin: germline. Observed: 1 variant allele. Not counted in ClinVar's aggregate classification.

Literature cited by the submitters: PubMed 19293843 (cited by Labcorp Genetics (formerly Invitae), Labcorp); PubMed 16905551 (cited by Labcorp Genetics (formerly Invitae), Labcorp); PubMed 19349279 (cited by Labcorp Genetics (formerly Invitae), Labcorp); PubMed 16571647 (cited by Labcorp Genetics (formerly Invitae), Labcorp); PubMed 17701892 (cited by Labcorp Genetics (formerly Invitae), Labcorp); PubMed 24793577 (cited by Labcorp Genetics (formerly Invitae), Labcorp and Women's Health and Genetics/Laboratory Corporation of America, LabCorp).

NM_000138.5(FBN1):c.5747G>A (p.Cys1916Tyr)

Gene: FBN1 (fibrillin 1; minus strand). Cytogenetic location: 15q21.1.
Variant type: single nucleotide variant.
Coding change: c.5747G>A on transcript NM_000138.5 (MANE Select); coding-DNA position 5747, G replaced by A.
Protein change: p.Cys1916Tyr; replaces cysteine 1916 with tyrosine.
Molecular consequence: missense variant.
Genome position (GRCh38, 1-based): chr15:48,446,747, C>T on the plus strand (G>A on the coding strand, the complement: FBN1 is on the minus strand). VCF-style: chr15-48446747-C-T. GRCh37 (hg19) VCF-style: chr15-48738944-C-T.
Other names: NM_000138.5(FBN1):c.5747G>A; short protein forms C1916Y.
Identifiers: ClinVar variation 42391 (VCV000042391.11), dbSNP rs397515827, ClinGen allele CA016026.